The following is an entry in ClinVar:

ClinVar aggregate classification (germline): Uncertain significance (1 of 4 stars; one submission).

Conditions:
Propionic acidemia (PROP). Also called: GLYCINEMIA, KETOTIC; HYPERGLYCINEMIA WITH KETOACIDOSIS AND LEUKOPENIA; KETOTIC HYPERGLYCINEMIA. Identifiers: Orphanet 35, MedGen C0268579, MONDO:0011628, OMIM 606054, HP:0003571.

gnomAD v4.1: 3 of 1,523,238 alleles (0.0002%); highest among the groups gnomAD compares: East Asian, 0.0026%; no homozygotes.

Submission:

Labcorp Genetics (formerly Invitae), Labcorp
Classification: Uncertain significance for Propionic acidemia. Last evaluated: 2023-12-07. Review status: criteria provided, single submitter. Criteria: Invitae Variant Classification Sherloc (09022015). Collection method: clinical testing. Allele origin: germline.
Comment: This sequence change replaces proline, which is neutral and non-polar, with glutamine, which is neutral and polar, at codon 10 of the PCCA protein (p.Pro10Gln). The frequency data for this variant in the population databases is considered unreliable, as metrics indicate poor data quality at this position in the gnomAD database. This variant has not been reported in the literature in individuals affected with PCCA-related conditions. ClinVar contains an entry for this variant (Variation ID: 1378780). Advanced modeling of protein sequence and biophysical properties (such as structural, functional, and spatial information, amino acid conservation, physicochemical variation, residue mobility, and thermodynamic stability) performed at Invitae indicates that this missense variant is not expected to disrupt PCCA protein function with a negative predictive value of 95%. In summary, the available evidence is currently insufficient to determine the role of this variant in disease. Therefore, it has been classified as a Variant of Uncertain Significance.

NM_000282.4(PCCA):c.29C>A (p.Pro10Gln)

Gene: PCCA (propionyl-CoA carboxylase subunit alpha; plus strand). Cytogenetic location: 13q32.3.
Variant type: single nucleotide variant.
Coding change: c.29C>A on transcript NM_000282.4 (MANE Select); coding-DNA position 29, C replaced by A.
Protein change: p.Pro10Gln; replaces proline 10 with glutamine.
Molecular consequence: missense variant. On other transcripts: 5 prime UTR variant (3), non-coding transcript variant (5).
Genome position (GRCh38, 1-based): chr13:100,089,149, C>A. VCF-style: chr13-100089149-C-A. GRCh37 (hg19) VCF-style: chr13-100741403-C-A.
Other names: c.29C>A, p.Pro10Gln (NM_001127692.3, NM_001178004.2, NM_001352605.2 and 4 more transcripts); c.-838C>A (NM_001352610.2, NM_001352611.2, NM_001352612.2); short protein forms P10Q.
Identifiers: ClinVar variation 1378780 (VCV001378780.6), dbSNP rs1251572354, ClinGen allele CA388692632.